The following is an entry in ClinVar:

NM_001371928.1(AHDC1):c.4091A>G (p.His1364Arg)

Gene: AHDC1 (AT-hook DNA binding motif containing 1; minus strand). Cytogenetic location: 1p36.11.
Variant type: single nucleotide variant.
Coding change: c.4091A>G on transcript NM_001371928.1 (MANE Select); coding-DNA position 4091, A replaced by G.
Protein change: p.His1364Arg; replaces histidine 1364 with arginine.
Molecular consequence: missense variant.
Genome position (GRCh38, 1-based): chr1:27,548,025, T>C on the plus strand (A>G on the coding strand, the complement: AHDC1 is on the minus strand). VCF-style: chr1-27548025-T-C. GRCh37 (hg19) VCF-style: chr1-27874536-T-C.
Other names: c.4091A>G (NM_001029882.2); c.4091A>G, p.His1364Arg (NM_001029882.3); short protein forms H1364R.
Identifiers: ClinVar variation 3705960 (VCV003705960.3).

ClinVar aggregate classification (germline): Uncertain significance. Review status: criteria provided, multiple submitters, no conflicts (2 of 4 stars). 2 submissions from 2 submitters: Uncertain significance (2). Last evaluated 2025-02-22.

Conditions:
Inborn genetic diseases. Identifiers: MedGen C0950123, MeSH D030342.

Submissions (2):

Ambry Genetics
Classification: Uncertain significance for Inborn genetic diseases. Last evaluated: 2025-02-22. Review status: criteria provided, single submitter. Criteria: Ambry Variant Classification Scheme 2023. Collection method: clinical testing. Allele origin: germline.

Labcorp Genetics (formerly Invitae), Labcorp
Classification: Uncertain significance. Last evaluated: 2025-01-08. Review status: criteria provided, single submitter. Criteria: Invitae Variant Classification Sherloc (09022015). Collection method: clinical testing. Allele origin: germline.
Comment: This sequence change replaces histidine, which is basic and polar, with arginine, which is basic and polar, at codon 1364 of the AHDC1 protein (p.His1364Arg). This variant is present in population databases (rs775771211, gnomAD 0.0009%). This variant has not been reported in the literature in individuals affected with AHDC1-related conditions. An algorithm developed to predict the effect of missense changes on protein structure and function (PolyPhen-2) suggests that this variant is likely to be tolerated. In summary, the available evidence is currently insufficient to determine the role of this variant in disease. Therefore, it has been classified as a Variant of Uncertain Significance.